The following is an entry in ClinVar:

NM_020433.5(JPH2):c.58G>T (p.Gly20Trp)

Gene: JPH2 (junctophilin 2; minus strand). Cytogenetic location: 20q13.12.
Variant type: single nucleotide variant.
Coding change: c.58G>T on transcript NM_020433.5 (MANE Select); coding-DNA position 58, G replaced by T.
Protein change: p.Gly20Trp; replaces glycine 20 with tryptophan.
Molecular consequence: missense variant.
Genome position (GRCh38, 1-based): chr20:44,186,648, C>A on the plus strand (G>T on the coding strand, the complement: JPH2 is on the minus strand). VCF-style: chr20-44186648-C-A. GRCh37 (hg19) VCF-style: chr20-42815288-C-A.
Other names: c.58G>T, p.Gly20Trp (NM_175913.4); short protein forms G20W.
Identifiers: ClinVar variation 2586446 (VCV002586446.2), dbSNP rs988100071, ClinGen allele CA409095622.

ClinVar aggregate classification (germline): Uncertain significance (1 of 4 stars; one submission).

Conditions:
Cardiovascular phenotype. Identifiers: MedGen CN230736.

gnomAD v4.1: 7 of 1,608,574 alleles (0.00044%); highest among the groups gnomAD compares: Non-Finnish European, 0.00051%; no homozygotes.

Submission:

Ambry Genetics
Classification: Uncertain significance for Cardiovascular phenotype. Last evaluated: 2023-07-29. Review status: criteria provided, single submitter. Criteria: Ambry Variant Classification Scheme 2023. Collection method: clinical testing. Allele origin: germline.
Comment: The p.G20W variant (also known as c.58G>T), located in coding exon 1 of the JPH2 gene, results from a G to T substitution at nucleotide position 58. The glycine at codon 20 is replaced by tryptophan, an amino acid with highly dissimilar properties. This amino acid position is conserved. In addition, this alteration is predicted to be tolerated by in silico analysis. Since supporting evidence is limited at this time, the clinical significance of this alteration remains unclear.